The following is an entry in ClinVar:

ClinVar aggregate classification (germline): Uncertain significance (1 of 4 stars; one submission).

Conditions:
Familial cancer of breast. Also called: hereditary breast carcinoma; Hereditary breast cancer; BREAST CANCER, FAMILIAL. Identifiers: Orphanet 227535, MedGen C0346153, MONDO:0016419, OMIM 114480. Disease mechanism: loss of function.

Submission:

Labcorp Genetics (formerly Invitae), Labcorp
Classification: Uncertain significance for Familial cancer of breast. Last evaluated: 2019-12-11. Review status: criteria provided, single submitter. Criteria: Invitae Variant Classification Sherloc (09022015). Collection method: clinical testing. Allele origin: germline.
Comment: In summary, the available evidence is currently insufficient to determine the role of this variant in disease. Therefore, it has been classified as a Variant of Uncertain Significance. Algorithms developed to predict the effect of missense changes on protein structure and function output the following: SIFT: "Tolerated"; PolyPhen-2: "Benign"; Align-GVGD: "Class C0". The threonine amino acid residue is found in multiple mammalian species, suggesting that this missense change does not adversely affect protein function. These predictions have not been confirmed by published functional studies and their clinical significance is uncertain. This variant has not been reported in the literature in individuals with PALB2-related disease. This variant is not present in population databases (ExAC no frequency). This sequence change replaces alanine with threonine at codon 1115 of the PALB2 protein (p.Ala1115Thr). The alanine residue is moderately conserved and there is a small physicochemical difference between alanine and threonine.

NM_024675.4(PALB2):c.3343G>A (p.Ala1115Thr)

Gene: PALB2 (partner and localizer of BRCA2; minus strand). Cytogenetic location: 16p12.2.
Variant type: single nucleotide variant.
Coding change: c.3343G>A on transcript NM_024675.4 (MANE Select); coding-DNA position 3343, G replaced by A.
Protein change: p.Ala1115Thr; replaces alanine 1115 with threonine.
Molecular consequence: missense variant.
Genome position (GRCh38, 1-based): chr16:23,607,871, C>T on the plus strand (G>A on the coding strand, the complement: PALB2 is on the minus strand). VCF-style: chr16-23607871-C-T. GRCh37 (hg19) VCF-style: chr16-23619192-C-T.
Other names: short protein forms A1115T.
Identifiers: ClinVar variation 649602 (VCV000649602.11), dbSNP rs1567206747, ClinGen allele CA395139260.